The following is an entry in ClinVar:

ClinVar aggregate classification (germline): Uncertain significance (1 of 4 stars; one submission).

Conditions:
Brugada syndrome 8 (BRGDA8). Identifiers: Orphanet 130, MedGen C2751083, MONDO:0013148, OMIM 613123.

Submission:

Labcorp Genetics (formerly Invitae), Labcorp
Classification: Uncertain significance for Brugada syndrome 8. Last evaluated: 2020-12-29. Review status: criteria provided, single submitter. Criteria: Invitae Variant Classification Sherloc (09022015). Collection method: clinical testing. Allele origin: germline.
Comment: Advanced modeling of protein sequence and biophysical properties (such as structural, functional, and spatial information, amino acid conservation, physicochemical variation, residue mobility, and thermodynamic stability) performed at Invitae indicates that this missense variant is not expected to disrupt HCN4 protein function. This sequence change replaces serine with asparagine at codon 44 of the HCN4 protein (p.Ser44Asn). The serine residue is moderately conserved and there is a small physicochemical difference between serine and asparagine. The frequency data for this variant in the population databases is considered unreliable, as metrics indicate insufficient coverage at this position in the ExAC database. This variant has not been reported in the literature in individuals with HCN4-related conditions. In summary, the available evidence is currently insufficient to determine the role of this variant in disease. Therefore, it has been classified as a Variant of Uncertain Significance.

NM_005477.3(HCN4):c.131G>A (p.Ser44Asn)

Gene: HCN4 (hyperpolarization activated cyclic nucleotide gated potassium channel 4; minus strand). Cytogenetic location: 15q24.1.
Variant type: single nucleotide variant.
Coding change: c.131G>A on transcript NM_005477.3 (MANE Select); coding-DNA position 131, G replaced by A.
Protein change: p.Ser44Asn; replaces serine 44 with asparagine.
Molecular consequence: missense variant.
Genome position (GRCh38, 1-based): chr15:73,368,140, C>T on the plus strand (G>A on the coding strand, the complement: HCN4 is on the minus strand). VCF-style: chr15-73368140-C-T. GRCh37 (hg19) VCF-style: chr15-73660481-C-T.
Other names: short protein forms S44N.
Identifiers: ClinVar variation 1361207 (VCV001361207.8), dbSNP rs2151228715, ClinGen allele CA393098930.